The following is an entry in ClinVar:

ClinVar aggregate classification (germline): Uncertain significance. Review status: criteria provided, multiple submitters, no conflicts (2 of 4 stars). 3 submissions from 3 submitters: Uncertain significance (3). Last evaluated 2023-08-30.

Conditions:
Neurofibromatosis, type 1 (NF1). Also called: VON RECKLINGHAUSEN DISEASE; Peripheral type neurofibromatosis; Neurofibromatosis, type I; NEUROFIBROMATOSIS, TYPE I, SOMATIC. Identifiers: Orphanet 636, MedGen C0027831, MONDO:0018975, OMIM 162200. Disease mechanism: loss of function.
Juvenile myelomonocytic leukemia (JMML). Also called: LEUKEMIA, JUVENILE MYELOMONOCYTIC, SOMATIC. Identifiers: Orphanet 86834, MedGen C0349639, MONDO:0011908, OMIM 607785, HP:0012209.
Hereditary cancer-predisposing syndrome. Also called: Hereditary Cancer Syndrome; Neoplastic Syndromes, Hereditary; Tumor predisposition; Hereditary neoplastic syndrome. Identifiers: Orphanet 140162, MedGen C0027672, MeSH D009386, MONDO:0015356.
Cardiovascular phenotype. Identifiers: MedGen CN230736.

Submissions (3):

Labcorp Genetics (formerly Invitae), Labcorp
Classification: Uncertain significance for Neurofibromatosis, type 1. Last evaluated: 2023-08-30. Review status: criteria provided, single submitter. Criteria: Invitae Variant Classification Sherloc (09022015). Collection method: clinical testing. Allele origin: germline.
Comment: This sequence change replaces proline, which is neutral and non-polar, with alanine, which is neutral and non-polar, at codon 2782 of the NF1 protein (p.Pro2782Ala). In summary, the available evidence is currently insufficient to determine the role of this variant in disease. Therefore, it has been classified as a Variant of Uncertain Significance. Advanced modeling of protein sequence and biophysical properties (such as structural, functional, and spatial information, amino acid conservation, physicochemical variation, residue mobility, and thermodynamic stability) has been performed at Invitae for this missense variant, however the output from this modeling did not meet the statistical confidence thresholds required to predict the impact of this variant on NF1 protein function. ClinVar contains an entry for this variant (Variation ID: 1349018). This variant has not been reported in the literature in individuals affected with NF1-related conditions. This variant is not present in population databases (gnomAD no frequency).

Baylor Genetics
Classification: Uncertain significance for Juvenile myelomonocytic leukemia. Last evaluated: 2023-05-23. Review status: criteria provided, single submitter. Criteria: ACMG Guidelines, 2015. Collection method: clinical testing. Allele origin: unknown.

Ambry Genetics
Classification: Uncertain significance for Cardiovascular phenotype; Hereditary cancer-predisposing syndrome. Last evaluated: 2022-10-04. Review status: criteria provided, single submitter. Criteria: Ambry Variant Classification Scheme 2023. Collection method: clinical testing. Allele origin: germline.
Comment: The p.P2782A variant (also known as c.8344C>G), located in coding exon 57 of the NF1 gene, results from a C to G substitution at nucleotide position 8344. The proline at codon 2782 is replaced by alanine, an amino acid with highly similar properties. This amino acid position is conserved. In addition, this alteration is predicted to be tolerated by in silico analysis. Since supporting evidence is limited at this time, the clinical significance of this alteration remains unclear.

NM_001042492.3(NF1):c.8407C>G (p.Pro2803Ala)

Gene: NF1 (neurofibromin 1; plus strand). Cytogenetic location: 17q11.2.
Variant type: single nucleotide variant.
Coding change: c.8407C>G on transcript NM_001042492.3 (MANE Select); coding-DNA position 8407, C replaced by G.
Protein change: p.Pro2803Ala; replaces proline 2803 with alanine.
Molecular consequence: missense variant.
Genome position (GRCh38, 1-based): chr17:31,374,042, C>G. VCF-style: chr17-31374042-C-G. GRCh37 (hg19) VCF-style: chr17-29701060-C-G.
Other names: c.8344C>G, p.Pro2782Ala (NM_000267.4); short protein forms P2803A, P2782A.
Identifiers: ClinVar variation 1349018 (VCV001349018.11), dbSNP rs779180729, ClinGen allele CA399205909.